The following is an entry in ClinVar:

ClinVar aggregate classification (germline): Uncertain significance (1 of 4 stars; one submission).

Conditions:
Familial isolated arrhythmogenic right ventricular dysplasia. Identifiers: Orphanet 217656, MedGen C4274968, MONDO:0016342.

gnomAD v4.1: 1 of 1,610,706 alleles (0.000062%); highest among the groups gnomAD compares: South Asian, 0.0011%; no homozygotes.

Submission:

All of Us Research Program, National Institutes of Health
Classification: Uncertain significance for Familial isolated arrhythmogenic right ventricular dysplasia. Last evaluated: 2023-12-13. Review status: criteria provided, single submitter. Criteria: ACMG Guidelines, 2015. Collection method: clinical testing. Allele origin: germline. Inheritance: Autosomal dominant inheritance. Observed: 1 variant allele, 1 heterozygote.
Comment: This missense variant replaces glycine with aspartic acid at codon 686 of the DSC2 protein. Computational prediction suggests that this variant may not impact protein structure and function (internally defined REVEL score threshold <= 0.5, PMID: 27666373). To our knowledge, functional studies have not been reported for this variant. This variant has not been reported in individuals affected with DSC2-related disorders in the literature. This variant has not been identified in the general population by the Genome Aggregation Database (gnomAD). The available evidence is insufficient to determine the role of this variant in disease conclusively. Therefore, this variant is classified as a Variant of Uncertain Significance.

This study involves interpretation of variants in research participants for the purpose of population health screening. Participant phenotype was not available at the time of variant classification. Additional details can be found in publication PMID: 35346344, PMCID: PMC8962531

NM_024422.6(DSC2):c.2057G>A (p.Gly686Asp)

Gene: DSC2 (desmocollin 2; minus strand). Cytogenetic location: 18q12.1.
Variant type: single nucleotide variant.
Coding change: c.2057G>A on transcript NM_024422.6 (MANE Select); coding-DNA position 2057, G replaced by A.
Protein change: p.Gly686Asp; replaces glycine 686 with aspartic acid.
Molecular consequence: missense variant.
Genome position (GRCh38, 1-based): chr18:31,071,673, C>T on the plus strand (G>A on the coding strand, the complement: DSC2 is on the minus strand). VCF-style: chr18-31071673-C-T. GRCh37 (hg19) VCF-style: chr18-28651639-C-T.
Other names: c.1628G>A, p.Gly543Asp (NM_001406506.1, NM_001406507.1); c.2057G>A, p.Gly686Asp (NM_004949.5); short protein forms G543D, G686D.
Identifiers: ClinVar variation 3074757 (VCV003074757.1), dbSNP rs761458001, ClinGen allele CA402112947.